The following is an entry in ClinVar:

ClinVar aggregate classification (germline): Uncertain significance (1 of 4 stars; one submission).

Conditions:
Hereditary cancer-predisposing syndrome. Also called: Neoplastic Syndromes, Hereditary; Tumor predisposition; Hereditary Cancer Syndrome; Hereditary neoplastic syndrome. Identifiers: Orphanet 140162, MedGen C0027672, MeSH D009386, MONDO:0015356.

Submission:

Ambry Genetics
Classification: Uncertain significance for Hereditary cancer-predisposing syndrome. Last evaluated: 2022-04-19. Review status: criteria provided, single submitter. Criteria: Ambry Variant Classification Scheme 2023. Collection method: clinical testing. Allele origin: germline.
Comment: The c.3576+3_3576+5delATAinsGAG intronic variant, located in intron 23 of the ATM gene, results from an in-frame deletion of 3 nucleotides (ATA) and the insertion of 3 nucleotides (GAG) at nucleotide positions 3576+3 to 3576+5. This nucleotide region is not well conserved in available vertebrate species. In silico splice site analysis predicts that this alteration will not have any significant effect on splicing. Since supporting evidence is limited at this time, the clinical significance of this alteration remains unclear.

NM_000051.4(ATM):c.3576+3_3576+5delinsGAG

Gene: ATM (ATM serine/threonine kinase; plus strand). Cytogenetic location: 11q22.3.
Variant type: Indel.
Coding change: c.3576+3_3576+5delinsGAG on transcript NM_000051.4 (MANE Select); bases 3 to 5 of the intron after coding-DNA position 3576, ATA replaced by GAG.
Molecular consequence: intron variant.
Genome position (GRCh38, 1-based): chr11:108,281,171-108,281,173, ATA replaced by GAG. VCF-style: chr11-108281171-ATA-GAG. GRCh37 (hg19) VCF-style: chr11-108151898-ATA-GAG.
Other names: c.3576+3_3576+5delinsGAG (NM_001351834.2).
Identifiers: ClinVar variation 1732828 (VCV001732828.2), dbSNP rs2546871748, ClinGen allele CA2580083227.
Genomic context (GRCh38, chr11:108,281,171, plus strand): 5'-GTTTGCCCTGTGTAAATCTGTGAAAGAGAATGGATTAGAACCTCACCTTGTGAAAAAGGT[ATA>GAG]TATGGATGAGTATTTTATTAGAAGCTTCCTTAGGTCACTGTGAAATAATTTAAAAAGTTA-3'